The following is an entry in ClinVar:

NM_005068.3(SIM1):c.1697C>T (p.Thr566Ile)

Gene: SIM1 (SIM bHLH transcription factor 1; minus strand). Cytogenetic location: 6q16.3.
Variant type: single nucleotide variant.
Coding change: c.1697C>T on transcript NM_005068.3 (MANE Select); coding-DNA position 1697, C replaced by T.
Protein change: p.Thr566Ile; replaces threonine 566 with isoleucine.
Molecular consequence: missense variant.
Genome position (GRCh38, 1-based): chr6:100,390,965, G>A on the plus strand (C>T on the coding strand, the complement: SIM1 is on the minus strand). VCF-style: chr6-100390965-G-A. GRCh37 (hg19) VCF-style: chr6-100838841-G-A.
Other names: c.1697C>T, p.Thr566Ile (NM_001374769.1); short protein forms T566I.
Identifiers: ClinVar variation 4999933 (VCV004999933.1).

ClinVar aggregate classification (germline): Uncertain significance (1 of 4 stars; one submission).

Conditions:
SIM1-related disorder. Also called: SIM1-related disorders; SIM1-related condition.

Submission:

PreventionGenetics, part of Exact Sciences
Classification: Uncertain significance for SIM1-related condition. Last evaluated: 2025-05-28. Review status: criteria provided, single submitter. Criteria: ACMG Guidelines, 2015. Collection method: clinical testing. Allele origin: germline.
Comment: The SIM1 c.1697C>T variant is predicted to result in the amino acid substitution p.Thr566Ile. To our knowledge, this variant has not been reported in the literature or in a large population database (gnomAD), indicating this variant is rare. At this time, the clinical significance of this variant is uncertain due to the absence of conclusive functional and genetic evidence.